The following is an entry in ClinVar:

NM_018975.4(TERF2IP):c.969G>C (p.Glu323Asp)

Gene: TERF2IP (TERF2 interacting protein; plus strand). Cytogenetic location: 16q23.1.
Variant type: single nucleotide variant.
Coding change: c.969G>C on transcript NM_018975.4 (MANE Select); coding-DNA position 969, G replaced by C.
Protein change: p.Glu323Asp; replaces glutamic acid 323 with aspartic acid.
Molecular consequence: missense variant. On other transcripts: non-coding transcript variant (1).
Genome position (GRCh38, 1-based): chr16:75,656,380, G>C. VCF-style: chr16-75656380-G-C. GRCh37 (hg19) VCF-style: chr16-75690278-G-C.
Other names: short protein forms E323D.
Identifiers: ClinVar variation 1767852 (VCV001767852.2), dbSNP rs1567511327, ClinGen allele CA396819981.
Genomic context (GRCh38, chr16:75,656,380, plus strand): 5'-AGAAAAAGTTTCTCAACCAGAGGTGGGAGCTGCCATTAAGATCATTCGGCAGTTAATGGA[G>C]AAGTTTAACTTGGATCTATCAACAGTTACACAGGCCTTCCTAAAAAATAGTGGTGAGCTG-3'
Protein context (NP_061848.2, residues 313-333): AAIKIIRQLM[Glu323Asp]KFNLDLSTVT

ClinVar aggregate classification (germline): Uncertain significance (1 of 4 stars; one submission).

Submission:

Ambry Genetics
Classification: Uncertain significance. Last evaluated: 2022-09-18. Review status: criteria provided, single submitter. Criteria: Ambry Variant Classification Scheme 2023. Collection method: clinical testing. Allele origin: germline.
Comment: The p.E323D variant (also known as c.969G>C), located in coding exon 3 of the TERF2IP gene, results from a G to C substitution at nucleotide position 969. The glutamic acid at codon 323 is replaced by aspartic acid, an amino acid with highly similar properties. This amino acid position is conserved. In addition, this alteration is predicted to be tolerated by in silico analysis. Since supporting evidence is limited at this time, the clinical significance of this alteration remains unclear.